The following is an entry in ClinVar:

NM_000553.6(WRN):c.1009_1013del (p.Glu337fs)

Gene: WRN (WRN RecQ like helicase; plus strand). Cytogenetic location: 8p12.
Variant type: Deletion.
Coding change: c.1009_1013del on transcript NM_000553.6 (MANE Select); coding-DNA positions 1009 to 1013, 5 bases deleted (GAAGT; older notation c.1009_1013delGAAGT).
Protein change: p.Glu337fs; shifts the reading frame from glutamic acid 337.
Molecular consequence: frameshift variant.
Genome position (GRCh38, 1-based): chr8:31,081,036-31,081,040, GAAGT deleted; deleting any 5 consecutive bases within chr8:31,081,035-31,081,040 gives the same sequence; the c. name uses the placement nearest the transcript's 3' end. VCF-style (leftmost placement, unchanged base first): chr8-31081034-ATGAAG-A. GRCh37 (hg19) VCF-style: chr8-30938550-ATGAAG-A.
Other names: short protein forms E337fs.
Identifiers: ClinVar variation 1075339 (VCV001075339.5), dbSNP rs2130118890, ClinGen allele CA2499219232.

ClinVar aggregate classification (germline): Pathogenic (1 of 4 stars; one submission).

Conditions:
Werner syndrome (WRN). Identifiers: Orphanet 902, MedGen C0043119, MONDO:0010196, OMIM 277700.

Submission:

Labcorp Genetics (formerly Invitae), Labcorp
Classification: Pathogenic for Werner syndrome. Last evaluated: 2020-07-09. Review status: criteria provided, single submitter. Criteria: Invitae Variant Classification Sherloc (09022015). Collection method: clinical testing. Allele origin: germline.
Comment: For these reasons, this variant has been classified as Pathogenic. Loss-of-function variants in WRN are known to be pathogenic (PMID: 16673358). This variant has not been reported in the literature in individuals with WRN-related conditions. This variant is not present in population databases (ExAC no frequency). This sequence change creates a premature translational stop signal (p.Glu337Phefs*5) in the WRN gene. It is expected to result in an absent or disrupted protein product.

Literature cited by the submitters: PubMed 16673358.